The following is an entry in ClinVar:

ClinVar aggregate classification (germline): Uncertain significance (1 of 4 stars; one submission).

Allele frequency attached by ClinVar (database versions not stated): TOPMed 0.00001; gnomAD 0.00003.
gnomAD v4.1: 13 of 1,613,928 alleles (0.00081%); highest among the groups gnomAD compares: African/African-American, 0.0093%; 1 homozygote.

Submission:

Labcorp Genetics (formerly Invitae), Labcorp
Classification: Uncertain significance. Last evaluated: 2022-02-01. Review status: criteria provided, single submitter. Criteria: Invitae Variant Classification Sherloc (09022015). Collection method: clinical testing. Allele origin: germline.
Comment: This sequence change replaces glycine, which is neutral and non-polar, with serine, which is neutral and polar, at codon 745 of the COL9A1 protein (p.Gly745Ser). This variant is present in population databases (no rsID available, gnomAD 0.02%), including at least one homozygous and/or hemizygous individual. This variant has not been reported in the literature in individuals affected with COL9A1-related conditions. Advanced modeling of protein sequence and biophysical properties (such as structural, functional, and spatial information, amino acid conservation, physicochemical variation, residue mobility, and thermodynamic stability) performed at Invitae indicates that this missense variant is expected to disrupt COL9A1 protein function. In summary, the available evidence is currently insufficient to determine the role of this variant in disease. Therefore, it has been classified as a Variant of Uncertain Significance.

NM_001851.6(COL9A1):c.2233G>A (p.Gly745Ser)

Gene: COL9A1 (collagen type IX alpha 1 chain; minus strand). Cytogenetic location: 6q13.
Variant type: single nucleotide variant.
Coding change: c.2233G>A on transcript NM_001851.6 (MANE Select); coding-DNA position 2233, G replaced by A.
Protein change: p.Gly745Ser; replaces glycine 745 with serine.
Molecular consequence: missense variant. On other transcripts: non-coding transcript variant (1), intron variant (1).
Genome position (GRCh38, 1-based): chr6:70,234,820, C>T on the plus strand (G>A on the coding strand, the complement: COL9A1 is on the minus strand). VCF-style: chr6-70234820-C-T. GRCh37 (hg19) VCF-style: chr6-70944523-C-T.
Other names: c.1534G>A, p.Gly512Ser (NM_001377289.1); c.1504G>A, p.Gly502Ser (NM_078485.4); c.1384-227G>A (NM_001377290.1); short protein forms G502S, G512S, G745S.
Identifiers: ClinVar variation 1946359 (VCV001946359.2), dbSNP rs1219473004, ClinGen allele CA364673063.